The following is an entry in ClinVar:

ClinVar aggregate classification (germline): Uncertain significance (1 of 4 stars; one submission).

Submission:

Labcorp Genetics (formerly Invitae), Labcorp
Classification: Uncertain significance. Last evaluated: 2023-02-22. Review status: criteria provided, single submitter. Criteria: Invitae Variant Classification Sherloc (09022015). Collection method: clinical testing. Allele origin: germline.
Comment: This sequence change affects codon 450 of the LZTR1 mRNA. It is a 'silent' change, meaning that it does not change the encoded amino acid sequence of the LZTR1 protein. In summary, the available evidence is currently insufficient to determine the role of this variant in disease. Therefore, it has been classified as a Variant of Uncertain Significance. Algorithms developed to predict the effect of sequence changes on RNA splicing suggest that this variant may disrupt the consensus splice site. This variant has not been reported in the literature in individuals affected with LZTR1-related conditions. This variant is not present in population databases (gnomAD no frequency).

NM_006767.4(LZTR1):c.1350T>G (p.Gly450=)

Gene: LZTR1 (leucine zipper like post translational regulator 1; plus strand). Cytogenetic location: 22q11.21.
Variant type: single nucleotide variant.
Coding change: c.1350T>G on transcript NM_006767.4 (MANE Select); coding-DNA position 1350, T replaced by G.
Protein change: p.Gly450=; no amino-acid change (glycine 450 retained).
Molecular consequence: synonymous variant.
Genome position (GRCh38, 1-based): chr22:20,993,751, T>G. VCF-style: chr22-20993751-T-G. GRCh37 (hg19) VCF-style: chr22-21348040-T-G.
Identifiers: ClinVar variation 2034884 (VCV002034884.4), dbSNP rs2518620085, ClinGen allele CA513458885.
Genomic context (GRCh38, chr22:20,993,751, plus strand): 5'-CGAGGACTACGGGCGGCTGTGGGAGAGCCGCCAGTTCTGCGACGTGGAGTTCGTGCTGGG[T>G]GAGGTGGGTGCCTGTCCTCGCACCCTGCTCTGCCTGCTGTGCCTGGGCAGTGGGAATTTC-3'
Protein context (NP_006758.2, residues 440-460): RQFCDVEFVL[Gly450=]EKEECVQGHV